The following is an entry in ClinVar:

ClinVar aggregate classification (germline): Uncertain significance (1 of 4 stars; one submission).

Conditions:
Hereditary cancer-predisposing syndrome. Also called: Tumor predisposition; Neoplastic Syndromes, Hereditary; Hereditary Cancer Syndrome; Hereditary neoplastic syndrome. Identifiers: Orphanet 140162, MedGen C0027672, MeSH D009386, MONDO:0015356.

Submission:

Ambry Genetics
Classification: Uncertain significance for Hereditary cancer-predisposing syndrome. Last evaluated: 2024-09-25. Review status: criteria provided, single submitter. Criteria: Ambry Variant Classification Scheme 2023. Collection method: clinical testing. Allele origin: germline.
Comment: The p.T431R variant (also known as c.1292C>G), located in coding exon 9 of the FH gene, results from a C to G substitution at nucleotide position 1292. The threonine at codon 431 is replaced by arginine, an amino acid with similar properties. This amino acid position is conserved. In addition, this alteration is predicted to be deleterious by in silico analysis. Based on the available evidence, the clinical significance of this variant remains unclear.

NM_000143.4(FH):c.1292C>G (p.Thr431Arg)

Gene: FH (fumarate hydratase; minus strand). Cytogenetic location: 1q43.
Variant type: single nucleotide variant.
Coding change: c.1292C>G on transcript NM_000143.4 (MANE Select); coding-DNA position 1292, C replaced by G.
Protein change: p.Thr431Arg; replaces threonine 431 with arginine.
Molecular consequence: missense variant.
Genome position (GRCh38, 1-based): chr1:241,500,535, G>C on the plus strand (C>G on the coding strand, the complement: FH is on the minus strand). VCF-style: chr1-241500535-G-C. GRCh37 (hg19) VCF-style: chr1-241663835-G-C.
Other names: short protein forms T431R.
Identifiers: ClinVar variation 3515106 (VCV003515106.1).
Genomic context (GRCh38, chr1:241,500,535, plus strand): 5'-TCATTCATCAGCTTGTTGATCCTTTCTGTATTGGCCTGGATTCCCACCACGCAGTTTTCT[G>C]TAAAGGAAACTGAAGCATCCCCCAGCAGCCTGGCTGAGTGTAACACATTTTTAATCTTTG-3'
Protein context (NP_000134.2, residues 421-441): RLLGDASVSF[Thr431Arg]ENCVVGIQAN